The following is an entry in ClinVar:

NM_000093.5(COL5A1):c.4609-278del

Genes: COL5A1 (collagen type V alpha 1 chain; plus strand), LOC101448202 (uncharacterized LOC101448202; minus strand). Cytogenetic location: 9q34.3.
Variant type: Deletion.
Coding change: c.4609-278del on transcript NM_000093.5 (MANE Select); 278 bases into the intron before coding-DNA position 4609, one base deleted (G; older notation c.4609-278delG).
Molecular consequence: intron variant.
Genome position (GRCh38, 1-based): chr9:134,822,720, G deleted. VCF-style (leftmost placement, unchanged base first): chr9-134822719-CG-C. GRCh37 (hg19) VCF-style: chr9-137714565-CG-C.
Other names: c.4609-278del (NM_001278074.1).
Identifiers: ClinVar variation 669607 (VCV000669607.1), dbSNP rs66657532, ClinGen allele CA201098810.
Genomic context (GRCh38, chr9:134,822,719, plus strand): 5'-CAGGGCTGGGGGGTGCATTCCATCAGCCCCTTCTGAGCCAGGACATGCTCTTTTCCGCTG[CG>C]CCCCCCCCGCGGCTGTCTGAGCTGGGGTTTCCTAGCCAGGGTGGGTGGTAGGCTGGCCGG-3'

ClinVar aggregate classification (germline): Benign (1 of 4 stars; one submission).

Allele frequency attached by ClinVar (database versions not stated): TOPMed 0.06897; gnomAD 0.15751 and 0.16442; 1000 Genomes Project 0.37121.

Submission:

GeneDx
Classification: Benign. Last evaluated: 2018-06-14. Review status: criteria provided, single submitter. Criteria: GeneDx Variant Classification (06012015). Collection method: clinical testing. Allele origin: germline. Affected: yes.
Comment: This variant is considered likely benign or benign based on one or more of the following criteria: it is a conservative change, it occurs at a poorly conserved position in the protein, it is predicted to be benign by multiple in silico algorithms, and/or has population frequency not consistent with disease.